The following is an entry in ClinVar:

ClinVar aggregate classification (germline): Uncertain significance. Review status: criteria provided, multiple submitters, no conflicts (2 of 4 stars). 2 submissions from 2 submitters: Uncertain significance (2). Last evaluated 2023-08-18.

Conditions:
Familial thoracic aortic aneurysm and aortic dissection (TAAD). Also called: Thoracic aortic aneurysms and dissections. Identifiers: Orphanet 91387, MedGen C4707243, MONDO:0019625.

Submissions (2):

Clinical Genetics Laboratory, Skane University Hospital Lund
Classification: Uncertain significance. Last evaluated: 2023-08-18. Review status: criteria provided, single submitter. Criteria: ACMG Guidelines, 2015. Collection method: clinical testing. Allele origin: germline. Affected: yes.

Labcorp Genetics (formerly Invitae), Labcorp
Classification: Uncertain significance for Familial thoracic aortic aneurysm and aortic dissection. Last evaluated: 2023-02-01. Review status: criteria provided, single submitter. Criteria: Invitae Variant Classification Sherloc (09022015). Collection method: clinical testing. Allele origin: germline.
Comment: This sequence change replaces serine, which is neutral and polar, with asparagine, which is neutral and polar, at codon 192 of the SMAD3 protein (p.Ser192Asn). This variant is not present in population databases (gnomAD no frequency). This variant has not been reported in the literature in individuals affected with SMAD3-related conditions. Advanced modeling of protein sequence and biophysical properties (such as structural, functional, and spatial information, amino acid conservation, physicochemical variation, residue mobility, and thermodynamic stability) performed at Invitae indicates that this missense variant is not expected to disrupt SMAD3 protein function. In summary, the available evidence is currently insufficient to determine the role of this variant in disease. Therefore, it has been classified as a Variant of Uncertain Significance.

NM_005902.4(SMAD3):c.575G>A (p.Ser192Asn)

Gene: SMAD3 (SMAD family member 3; plus strand). Cytogenetic location: 15q22.33.
Variant type: single nucleotide variant.
Coding change: c.575G>A on transcript NM_005902.4 (MANE Select); coding-DNA position 575, G replaced by A.
Protein change: p.Ser192Asn; replaces serine 192 with asparagine.
Molecular consequence: missense variant. On other transcripts: 5 prime UTR variant (2).
Genome position (GRCh38, 1-based): chr15:67,166,821, G>A. VCF-style: chr15-67166821-G-A. GRCh37 (hg19) VCF-style: chr15-67459159-G-A.
Other names: c.260G>A, p.Ser87Asn (NM_001145102.2, NM_001407016.1); c.443G>A, p.Ser148Asn (NM_001145103.2, NM_001407012.1); c.-11G>A (NM_001145104.2, NM_001407017.1); c.575G>A, p.Ser192Asn (NM_001407011.1, NM_001407013.1); c.428G>A, p.Ser143Asn (NM_001407014.1); c.128G>A, p.Ser43Asn (NM_001407015.1); short protein forms S192N, S43N, S148N, S87N, S143N.
Identifiers: ClinVar variation 2975563 (VCV002975563.4), dbSNP rs1264997614, ClinGen allele CA392954741.
Genomic context (GRCh38, chr15:67,166,821, plus strand): 5'-CTTCCTTCTGATTCCCAGAGACCCCACCCCCTGGCTACCTGAGTGAAGATGGAGAAACCA[G>A]TGACCACCAGATGAACCACAGCATGGACGCAGGTCAGTCATGCAGGGTCATGCTCTTATT-3'
Protein context (NP_005893.1, residues 182-202): PGYLSEDGET[Ser192Asn]DHQMNHSMDA